The following is an entry in ClinVar:

ClinVar aggregate classification (germline): Uncertain significance (1 of 4 stars; one submission).

Conditions:
Inborn genetic diseases. Identifiers: MedGen C0950123, MeSH D030342.

Allele frequency attached by ClinVar (database versions not stated): gnomAD exomes below 0.00001.
gnomAD v4.1: 4 of 1,614,198 alleles (0.00025%); highest among the groups gnomAD compares: Non-Finnish European, 0.00034%; no homozygotes.

Submission:

Ambry Genetics
Classification: Uncertain significance for Inborn genetic diseases. Last evaluated: 2024-08-16. Review status: criteria provided, single submitter. Criteria: Ambry Variant Classification Scheme 2023. Collection method: clinical testing. Allele origin: germline.
Comment: The p.S140F variant (also known as c.419C>T), located in coding exon 6 of the ERCC2 gene, results from a C to T substitution at nucleotide position 419. The serine at codon 140 is replaced by phenylalanine, an amino acid with highly dissimilar properties. This amino acid position is conserved. In addition, this alteration is predicted to be deleterious by in silico analysis. Since supporting evidence is limited at this time, the clinical significance of this alteration remains unclear.

NM_000400.4(ERCC2):c.419C>T (p.Ser140Phe)

Gene: ERCC2 (ERCC excision repair 2, TFIIH core complex helicase subunit; minus strand). Cytogenetic location: 19q13.32.
Variant type: single nucleotide variant.
Coding change: c.419C>T on transcript NM_000400.4 (MANE Select); coding-DNA position 419, C replaced by T.
Protein change: p.Ser140Phe; replaces serine 140 with phenylalanine.
Molecular consequence: missense variant.
Genome position (GRCh38, 1-based): chr19:45,365,100, G>A on the plus strand (C>T on the coding strand, the complement: ERCC2 is on the minus strand). VCF-style: chr19-45365100-G-A. GRCh37 (hg19) VCF-style: chr19-45868358-G-A.
Other names: c.347C>T, p.Ser116Phe (NM_001130867.2); short protein forms S116F, S140F.
Identifiers: ClinVar variation 1738618 (VCV001738618.3), dbSNP rs2514035060, ClinGen allele CA406376025.